The following is an entry in ClinVar:

ClinVar aggregate classification (germline): Uncertain significance (1 of 4 stars; one submission).

Conditions:
Myofibrillar myopathy 6. Identifiers: Orphanet 199340, MedGen C2751831, MONDO:0013061, OMIM 612954.
Dilated cardiomyopathy 1HH (CMD1HH). Identifiers: Orphanet 154, MedGen C3151293, MONDO:0013479, OMIM 613881.

Allele frequency attached by ClinVar (database versions not stated): gnomAD 0.00001.
gnomAD v4.1: 1 of 1,614,144 alleles (0.000062%); highest among the groups gnomAD compares: African/African-American, 0.0013%; no homozygotes.

Submission:

Labcorp Genetics (formerly Invitae), Labcorp
Classification: Uncertain significance for Dilated cardiomyopathy 1HH; Myofibrillar myopathy 6. Last evaluated: 2023-02-20. Review status: criteria provided, single submitter. Criteria: Invitae Variant Classification Sherloc (09022015). Collection method: clinical testing. Allele origin: germline.
Comment: This sequence change replaces proline, which is neutral and non-polar, with alanine, which is neutral and non-polar, at codon 97 of the BAG3 protein (p.Pro97Ala). In summary, the available evidence is currently insufficient to determine the role of this variant in disease. Therefore, it has been classified as a Variant of Uncertain Significance. Advanced modeling of protein sequence and biophysical properties (such as structural, functional, and spatial information, amino acid conservation, physicochemical variation, residue mobility, and thermodynamic stability) performed at Invitae indicates that this missense variant is expected to disrupt BAG3 protein function. This variant has not been reported in the literature in individuals affected with BAG3-related conditions. This variant is present in population databases (rs747274078, gnomAD 0.007%).

NM_004281.4(BAG3):c.289C>G (p.Pro97Ala)

Gene: BAG3 (BAG cochaperone 3; plus strand). Cytogenetic location: 10q26.11.
Variant type: single nucleotide variant.
Coding change: c.289C>G on transcript NM_004281.4 (MANE Select); coding-DNA position 289, C replaced by G.
Protein change: p.Pro97Ala; replaces proline 97 with alanine.
Molecular consequence: missense variant.
Genome position (GRCh38, 1-based): chr10:119,669,959, C>G. VCF-style: chr10-119669959-C-G. GRCh37 (hg19) VCF-style: chr10-121429471-C-G.
Other names: short protein forms P97A.
Identifiers: ClinVar variation 2924442 (VCV002924442.3), dbSNP rs747274078, ClinGen allele CA5716283.